The following is an entry in ClinVar:

ClinVar aggregate classification (germline): Uncertain significance. Review status: criteria provided, multiple submitters, no conflicts (2 of 4 stars). 3 submissions from 3 submitters: Uncertain significance (3). Last evaluated 2025-11-07.

Conditions:
Severe early-onset pulmonary alveolar proteinosis due to MARS deficiency. Also called: PULMONARY ALVEOLAR PROTEINOSIS, REUNION ISLAND; Interstitial lung and liver disease. Identifiers: Orphanet 440427, MedGen C4225400, MONDO:0014206, OMIM 615486.
Charcot-Marie-Tooth disease axonal type 2U. Also called: CHARCOT-MARIE-TOOTH NEUROPATHY, TYPE 2U; CHARCOT-MARIE-TOOTH DISEASE, AXONAL, AUTOSOMAL DOMINANT, TYPE 2U. Identifiers: Orphanet 397735, MedGen C4084821, MONDO:0014566, OMIM 616280.

Allele frequency attached by ClinVar (database versions not stated): gnomAD exomes 0.00001 and 0.00002; ExAC 0.00002; gnomAD 0.00001; TOPMed 0.00002; 1000 Genomes Project 30x 0.00016; 1000 Genomes Project 0.00020.
gnomAD v4.1: 22 of 1,613,852 alleles (0.0014%); highest among the groups gnomAD compares: Non-Finnish European, 0.0019%; no homozygotes.

Submissions (3):

Dasa
Classification: Uncertain significance for Charcot-Marie-Tooth disease axonal type 2U. Last evaluated: 2025-11-07. Review status: criteria provided, single submitter. Criteria: DASA Assertion Criteria. Collection method: clinical testing. Allele origin: germline.
Comment: NM_004990.4(MARS1):c.770T>C (p.Val257Ala) is a missense variant that results in the substitution of valine with alanine. This variant is rare in population databases. Computational prediction algorithms are consistent with a deleterious effect. The currently available literature and clinical evidence are not sufficient to establish a definitive association between this variant and the reported condition. Therefore, this variant is classified as a variant of uncertain significance.

Labcorp Genetics (formerly Invitae), Labcorp
Classification: Uncertain significance for Charcot-Marie-Tooth disease axonal type 2U; Severe early-onset pulmonary alveolar proteinosis due to MARS deficiency. Last evaluated: 2025-02-02. Review status: criteria provided, single submitter. Criteria: Invitae Variant Classification Sherloc (09022015). Collection method: clinical testing. Allele origin: germline.
Comment: This sequence change replaces valine, which is neutral and non-polar, with alanine, which is neutral and non-polar, at codon 257 of the MARS protein (p.Val257Ala). This variant is present in population databases (rs200308742, gnomAD 0.004%). This variant has not been reported in the literature in individuals affected with MARS-related conditions. ClinVar contains an entry for this variant (Variation ID: 1681700). An algorithm developed to predict the effect of missense changes on protein structure and function (PolyPhen-2) suggests that this variant is likely to be tolerated. In summary, the available evidence is currently insufficient to determine the role of this variant in disease. Therefore, it has been classified as a Variant of Uncertain Significance.

Ambry Genetics
Classification: Uncertain significance. Last evaluated: 2022-11-29. Review status: criteria provided, single submitter. Criteria: Ambry Variant Classification Scheme 2023. Collection method: clinical testing. Allele origin: germline.
Comment: Occurs in the last base pair of the exon Based on insufficient or conflicting evidence, the clinical significance of this alteration remains unclear.

NM_004990.4(MARS1):c.770T>C (p.Val257Ala)

Gene: MARS1 (methionyl-tRNA synthetase 1; plus strand). Cytogenetic location: 12q13.3.
Variant type: single nucleotide variant.
Coding change: c.770T>C on transcript NM_004990.4 (MANE Select); coding-DNA position 770, T replaced by C.
Protein change: p.Val257Ala; replaces valine 257 with alanine.
Molecular consequence: missense variant.
Genome position (GRCh38, 1-based): chr12:57,490,644, T>C. VCF-style: chr12-57490644-T-C. GRCh37 (hg19) VCF-style: chr12-57884427-T-C.
Other names: c.770T>C (NM_004990.3); short protein forms V257A.
Identifiers: ClinVar variation 1681700 (VCV001681700.11), dbSNP rs200308742, ClinGen allele CA6650279.